The following is an entry in ClinVar:

NM_001354483.2(CSGALNACT1):c.118G>A (p.Glu40Lys)

Gene: CSGALNACT1 (chondroitin sulfate N-acetylgalactosaminyltransferase 1; minus strand). Cytogenetic location: 8p21.3.
Variant type: single nucleotide variant.
Coding change: c.118G>A on transcript NM_001354483.2 (MANE Select); coding-DNA position 118, G replaced by A.
Protein change: p.Glu40Lys; replaces glutamic acid 40 with lysine.
Molecular consequence: missense variant. On other transcripts: non-coding transcript variant (7).
Genome position (GRCh38, 1-based): chr8:19,505,717, C>T on the plus strand (G>A on the coding strand, the complement: CSGALNACT1 is on the minus strand). VCF-style: chr8-19505717-C-T. GRCh37 (hg19) VCF-style: chr8-19363228-C-T.
Other names: c.118G>A, p.Glu40Lys (NM_001130518.2, NM_001354475.2, NM_001354476.2 and 18 more transcripts); short protein forms E40K.
Identifiers: ClinVar variation 1352117 (VCV001352117.5), dbSNP rs202131668, ClinGen allele CA4654355.

ClinVar aggregate classification (germline): Uncertain significance (1 of 4 stars; one submission).

Allele frequency attached by ClinVar (database versions not stated): gnomAD 0.00002 and 0.00004; TOPMed 0.00002; ExAC 0.00003; 1000 Genomes Project 30x 0.00031; 1000 Genomes Project 0.00040.
gnomAD v4.1: 30 of 1,614,190 alleles (0.0019%); highest among the groups gnomAD compares: South Asian, 0.0088%; no homozygotes.

Submission:

Labcorp Genetics (formerly Invitae), Labcorp
Classification: Uncertain significance. Last evaluated: 2022-06-13. Review status: criteria provided, single submitter. Criteria: Invitae Variant Classification Sherloc (09022015). Collection method: clinical testing. Allele origin: germline.
Comment: In summary, the available evidence is currently insufficient to determine the role of this variant in disease. Therefore, it has been classified as a Variant of Uncertain Significance. Algorithms developed to predict the effect of missense changes on protein structure and function (SIFT, PolyPhen-2, Align-GVGD) all suggest that this variant is likely to be tolerated. This variant has not been reported in the literature in individuals affected with CSGALNACT1-related conditions. This variant is present in population databases (rs202131668, gnomAD 0.02%). This sequence change replaces glutamic acid, which is acidic and polar, with lysine, which is basic and polar, at codon 40 of the CSGALNACT1 protein (p.Glu40Lys).